The following is an entry in ClinVar:

NM_001903.5(CTNNA1):c.2220G>A (p.Ser740=)

Gene: CTNNA1 (catenin alpha 1; plus strand). Cytogenetic location: 5q31.2.
Variant type: single nucleotide variant.
Coding change: c.2220G>A on transcript NM_001903.5 (MANE Select); coding-DNA position 2220, G replaced by A.
Protein change: p.Ser740=; no amino-acid change (serine 740 retained).
Molecular consequence: synonymous variant.
Genome position (GRCh38, 1-based): chr5:138,930,857, G>A. VCF-style: chr5-138930857-G-A. GRCh37 (hg19) VCF-style: chr5-138266546-G-A.
Other names: p.Ser740=; c.2220G>A, p.Ser740= (NM_001290307.3, NM_001323982.2, NM_001323983.1 and 2 more transcripts); c.1911G>A, p.Ser637= (NM_001290309.3); c.1851G>A, p.Ser617= (NM_001290310.3); c.1110G>A, p.Ser370= (NM_001290312.1, NM_001323987.1, NM_001323988.1 and 17 more transcripts); c.2127G>A, p.Ser709= (NM_001323986.2); c.771G>A, p.Ser257= (NM_001324006.1, NM_001324007.1, NM_001324008.1 and 2 more transcripts); c.1017G>A, p.Ser339= (NM_001324011.1); and 1 more.
Identifiers: ClinVar variation 820919 (VCV000820919.22), dbSNP rs1059110, ClinGen allele CA3432142.
Genomic context (GRCh38, chr5:138,930,857, plus strand): 5'-TACAATAATCCTTGTTCTCTTCCCTCTTCTCAGAGGTAAAGGACCACTCAAAAATACATC[G>A]GATGTCATCAGTGCTGCCAAGAAAATTGCTGAGGCAGGATCCAGGATGGACAAGCTTGGC-3'
Protein context (NP_001894.2, residues 730-750): TRGKGPLKNT[Ser740=]DVISAAKKIA

ClinVar aggregate classification (germline): Benign. Review status: criteria provided, multiple submitters, no conflicts (2 of 4 stars). 8 submissions from 8 submitters: Benign (8). Last evaluated 2026-02-04.

Conditions:
Hereditary cancer-predisposing syndrome. Also called: Neoplastic Syndromes, Hereditary; Tumor predisposition; Hereditary Cancer Syndrome; Hereditary neoplastic syndrome. Identifiers: Orphanet 140162, MedGen C0027672, MeSH D009386, MONDO:0015356.
Hereditary diffuse gastric adenocarcinoma (HDGC). Also called: DIFFUSE GASTRIC AND LOBULAR BREAST CANCER SYNDROME. Identifiers: Orphanet 26106, MedGen C1708349, MONDO:0007648, OMIM 137215.
Patterned macular dystrophy 2. Identifiers: Orphanet 99001, MedGen C1837029, MONDO:0012162, OMIM 608970.

Allele frequency attached by ClinVar (database versions not stated): 1000 Genomes Project 0.24900; 1000 Genomes Project 30x 0.25437; ExAC 0.27963; TOPMed 0.31221; gnomAD 0.31472 and 0.32259; ESP Exome Variant Server 0.33477.
gnomAD v4.1: 466,660 of 1,610,028 alleles (29%); highest among the groups gnomAD compares: African/African-American, 41%; 70,975 homozygotes.

Submissions (8):

Labcorp Genetics (formerly Invitae), Labcorp
Classification: Benign. Last evaluated: 2026-02-04. Review status: criteria provided, single submitter. Criteria: Invitae Variant Classification Sherloc (09022015). Collection method: clinical testing. Allele origin: germline.

ARUP Laboratories, Molecular Genetics and Genomics, ARUP Laboratories
Classification: Benign for Patterned macular dystrophy 2. Last evaluated: 2025-07-21. Review status: criteria provided, single submitter. Criteria: ARUP Molecular Germline Variant Investigation Process 2024. Collection method: clinical testing. Allele origin: germline.

Blueprint Genetics
Classification: Benign. Last evaluated: 2024-11-26. Review status: criteria provided, single submitter. Criteria: ACMG Guidelines, 2015. Collection method: clinical testing. Allele origin: germline.

Myriad Genetics, Inc.
Classification: Benign for Hereditary diffuse gastric adenocarcinoma. Last evaluated: 2024-10-15. Review status: criteria provided, single submitter. Criteria: Myriad Autosomal Dominant, Autosomal Recessive and X-Linked Classification Criteria (2023). Collection method: clinical testing. Allele origin: unknown.
Comment: This variant is considered benign. This variant is a silent/synonymous amino acid change and it is not expected to impact splicing.

Hereditary Cancer Laboratory, Hospital Universitario 12 de Octubre
Classification: Benign for Hereditary cancer-predisposing syndrome. Last evaluated: 2024-05-28. Review status: criteria provided, single submitter. Criteria: ACMG Guidelines, 2015. Collection method: clinical testing. Allele origin: germline.
Comment: BA1+BP4+BP6

Mayo Clinic Laboratories, Mayo Clinic
Classification: Benign. Last evaluated: 2022-05-05. Review status: criteria provided, single submitter. Criteria: ACMG Guidelines, 2015. Collection method: clinical testing. Allele origin: germline. Observed: 274 variant alleles.

Ambry Genetics
Classification: Benign for Hereditary cancer-predisposing syndrome. Last evaluated: 2018-11-08. Review status: criteria provided, single submitter. Criteria: Ambry Variant Classification Scheme 2023. Collection method: clinical testing. Allele origin: germline.

GeneDx
Classification: Benign. Last evaluated: 2018-06-22. Review status: criteria provided, single submitter. Criteria: GeneDx Variant Classification Process June 2021. Collection method: clinical testing. Allele origin: germline. Affected: yes.